The following is an entry in ClinVar:

NM_000350.3(ABCA4):c.4926C>G (p.Ser1642Arg)

Genes: ABCA4 (ATP binding cassette subfamily A member 4; minus strand), LOC126805793 (CDK7 strongly-dependent group 2 enhancer GRCh37_chr1:94486302-94487501; plus strand). Cytogenetic location: 1p22.1.
Variant type: single nucleotide variant.
Coding change: c.4926C>G on transcript NM_000350.3 (MANE Select); coding-DNA position 4926, C replaced by G.
Protein change: p.Ser1642Arg; replaces serine 1642 with arginine.
Molecular consequence: missense variant.
Genome position (GRCh38, 1-based): chr1:94,021,332, G>C on the plus strand (C>G on the coding strand, the complement: ABCA4 is on the minus strand). VCF-style: chr1-94021332-G-C. GRCh37 (hg19) VCF-style: chr1-94486888-G-C.
Other names: c.4704C>G, p.Ser1568Arg (NM_001425324.1); short protein forms S1642R, S1568R.
Identifiers: ClinVar variation 99332 (VCV000099332.21), dbSNP rs61753017, ClinGen allele CA227255.

ClinVar aggregate classification (germline): Conflicting classifications of pathogenicity. Review status: criteria provided, conflicting classifications (1 of 4 stars). 11 submissions from 11 submitters: Pathogenic (1); Likely pathogenic (4); Uncertain significance (2); Likely benign (1). 3 of the submissions do not count toward it. Last evaluated 2026-06-26.

Conditions:
ABCA4-related disorder. Also called: ABCA4-related condition; ABCA4-related disorders. Identifiers: MedGen CN239167.
Cone-rod dystrophy 3 (CORD3). Identifiers: Orphanet 1872, MedGen C1858806, MONDO:0011395, OMIM 604116.
Age related macular degeneration 2. Also called: MACULAR DEGENERATION, SENILE; MACULOPATHY, AGE-RELATED, 2; MACULOPATHY, AGE-RELATED. Identifiers: MedGen C3495438, MONDO:0007932, OMIM 153800.
Retinitis pigmentosa 19 (RP19). Also called: ABCA4-Related Retinitis Pigmentosa. Identifiers: Orphanet 791, MedGen C1866422, MONDO:0011137, OMIM 601718.
Severe early-childhood-onset retinal dystrophy (STGD1). Also called: MACULAR DYSTROPHY WITH FLECKS, TYPE 1; STGD; Stargardt disease 1; Stargardt macular dystrophy; Juvenile onset macular degeneration. Identifiers: Orphanet 364055, Orphanet 827, MedGen C1855465, MeSH D000080362, MONDO:0009549, OMIM 248200.
Retinitis pigmentosa (RP). Identifiers: Orphanet 791, MedGen C0035334, MeSH D012174, MONDO:0019200, OMIM 268000. Inheritance: Autosomal dominant, autosomal recessive and X linked inheritance.

Allele frequency attached by ClinVar (database versions not stated): TOPMed 0.00002; ExAC 0.00003; gnomAD 0.00001.
gnomAD v4.1: 25 of 1,614,078 alleles (0.0015%); highest among the groups gnomAD compares: Admixed American, 0.017%; no homozygotes.

Submissions (11):

PreventionGenetics, part of Exact Sciences
Classification: Uncertain significance for ABCA4-related condition. Last evaluated: 2026-06-26. Review status: criteria provided, single submitter. Criteria: ACMG Guidelines, 2015. Collection method: clinical testing. Allele origin: germline.
Comment: The ABCA4 c.4926C>G variant is predicted to result in the amino acid substitution p.Ser1642Arg. This variant is most often reported in cis with c.5044_5058del as a complex allele, [c.5044_5058del; c.4926C>G]. This complex allele has been reported in the homozygous or compound heterozygous states in many individuals with ABCA4-related disorders (see, for example, Porto et al. 2017. PubMed ID: 2918603; Salles et al. 2017. PubMed ID: 29114839; Table S1, Del Pozo-Valero et al. 2020. PubMed ID: 32619608). This variant has also been reported without c.5044_5058del in individuals with Stargardt disease, along with a second pathogenic ABCA4 variant (phase unknown, Valverde et al. 2006. PubMed ID: 16917483; in trans, Del Pozo-Valero et al. 2020. PubMed ID: 32619608). This variant has also been reported in the homozygous state without c.5044_5058del in an individual with retinitis pigmentosa (Jespersgaard et al. 2019. PubMed ID: 30718709). This variant is reported in 0.025% of alleles in individuals of Latino descent in gnomAD. Given the evidence, the complex allele [c.5044_5058del; c.4926C>G] is classified as pathogenic. Although we suspect c.4926C>G may be pathogenic, at this time, the clinical significance of this variant is uncertain when seen in isolation due to the absence of conclusive functional and genetic evidence.

Labcorp Genetics (formerly Invitae), Labcorp
Classification: Pathogenic. Last evaluated: 2025-12-20. Review status: criteria provided, single submitter. Criteria: Invitae Variant Classification Sherloc (09022015). Collection method: clinical testing. Allele origin: germline.
Comment: This sequence change replaces serine, which is neutral and polar, with arginine, which is basic and polar, at codon 1642 of the ABCA4 protein (p.Ser1642Arg). This variant is present in population databases (rs61753017, gnomAD 0.02%). This missense change has been observed in individual(s) with autosomal recessive Stargardt disease, commonly in cis with the pathogenic variant c.5044_5058del (p.Val1682_Val1686del). This variant has also been observed without p.Val1682_Val1686del in individuals with autosomal recessive Stargardt disease, and the evidence is sufficient to classify p.Ser1642Arg as Pathogenic in isolation, whether or not p.Val1682_Val1686del is present (PMID: 16917483, 19365591, 29114839, 29186038, 30060493, 30718709). In at least one individual the data is consistent with being in trans (on the opposite chromosome) from a pathogenic variant. ClinVar contains an entry for this variant (Variation ID: 99332). Invitae Evidence Modeling of protein sequence and biophysical properties (such as structural, functional, and spatial information, amino acid conservation, physicochemical variation, residue mobility, and thermodynamic stability) indicates that this missense variant is not expected to disrupt ABCA4 protein function with a negative predictive value of 80%. For these reasons, this variant has been classified as Pathogenic.

Blueprint Genetics
Classification: Uncertain significance. Last evaluated: 2024-11-25. Review status: criteria provided, single submitter. Criteria: ACMG Guidelines, 2015. Collection method: clinical testing. Allele origin: germline.

Fulgent Genetics
Classification: Likely pathogenic for Age related macular degeneration 2; Severe early-childhood-onset retinal dystrophy; Retinitis pigmentosa 19; Cone-rod dystrophy 3. Last evaluated: 2024-03-22. Review status: criteria provided, single submitter. Criteria: ACMG Guidelines, 2015. Collection method: clinical testing. Allele origin: germline.

3billion
Classification: Likely pathogenic for Severe early-childhood-onset retinal dystrophy. Last evaluated: 2022-05-22. Review status: criteria provided, single submitter. Criteria: ACMG Guidelines, 2015. Collection method: clinical testing. Allele origin: germline. Affected: yes. Observed: 1 homozygote.
Comment: The variant is observed at an extremely low frequency in the gnomAD v2.1.1 dataset (total allele frequency: 0.004%). In silico tool predictions suggest damaging effect of the variant on gene or gene product (REVEL: 0.56; 3Cnet: 0.86). Same nucleotide change resulting in same amino acid change has been previously reported as pathogenic/likely pathogenic with strong evidence (ClinVar ID: VCV000099332). Therefore, this variant is classified as likely pathogenic according to the recommendation of ACMG/AMP guideline.

Institute of Medical Genetics and Applied Genomics, University Hospital Tübingen
Classification: Likely pathogenic. Last evaluated: 2020-10-23. Review status: criteria provided, single submitter. Criteria: ACMG Guidelines, 2015. Collection method: clinical testing. Allele origin: germline. Inheritance: Autosomal recessive inheritance. Affected: yes.

Mendelics
Classification: Likely pathogenic for Severe early-childhood-onset retinal dystrophy. Last evaluated: 2019-05-28. Review status: criteria provided, single submitter. Criteria: Mendelics Assertion Criteria 2017. Collection method: clinical testing. Allele origin: unknown.

GeneDx
Classification: Likely benign. Last evaluated: 2018-11-26. Review status: criteria provided, single submitter. Criteria: GeneDx Variant Classification Process June 2021. Collection method: clinical testing. Allele origin: germline. Affected: yes.
Comment: This variant is associated with the following publications: (PMID: 23953153, 16917483, 28044389, 30093795, 11846518, 24713488, 19365591, 23982839, 29114839, 29186038, 30060493, 29925512, 30718709, 32619608)

Department of Clinical Genetics, Copenhagen University Hospital, Rigshospitalet
Classification: Likely pathogenic for Retinitis pigmentosa. Last evaluated: 2018-04-01. Review status: no assertion criteria provided. Collection method: research. Allele origin: unknown. Affected: yes. Study: VeluxRD. Not counted in ClinVar's aggregate classification.

Ophthalmo-Genetics Lab, Instituto de Oftalmologia Conde de Valenciana
Classification: Pathogenic for Severe early-childhood-onset retinal dystrophy. Review status: no assertion criteria provided. Collection method: research. Allele origin: germline. Inheritance: Autosomal recessive inheritance. Affected: yes. Not counted in ClinVar's aggregate classification.

Retina International
No classification provided. Review status: no classification provided. Collection method: not provided. Allele origin: not provided. Not counted in ClinVar's aggregate classification.

Literature cited by the submitters: PubMed 16917483 (cited by Labcorp Genetics (formerly Invitae), Labcorp); PubMed 19365591 (cited by Labcorp Genetics (formerly Invitae), Labcorp); PubMed 29114839 (cited by Labcorp Genetics (formerly Invitae), Labcorp); PubMed 29186038 (cited by Labcorp Genetics (formerly Invitae), Labcorp); PubMed 30060493 (cited by Labcorp Genetics (formerly Invitae), Labcorp); PubMed 30718709 (cited by Labcorp Genetics (formerly Invitae), Labcorp and Department of Clinical Genetics, Copenhagen University Hospital, Rigshospitalet); PubMed 248200 (cited by Ophthalmo-Genetics Lab, Instituto de Oftalmologia Conde de Valenciana).